The following is an entry in ClinVar:

NM_199420.4(POLQ):c.2989A>C (p.Asn997His)

Gene: POLQ (DNA polymerase theta; minus strand). Cytogenetic location: 3q13.33.
Variant type: single nucleotide variant.
Coding change: c.2989A>C on transcript NM_199420.4 (MANE Select); coding-DNA position 2989, A replaced by C.
Protein change: p.Asn997His; replaces asparagine 997 with histidine.
Molecular consequence: missense variant.
Genome position (GRCh38, 1-based): chr3:121,489,942, T>G on the plus strand (A>C on the coding strand, the complement: POLQ is on the minus strand). VCF-style: chr3-121489942-T-G. GRCh37 (hg19) VCF-style: chr3-121208789-T-G.
Other names: short protein forms N997H.
Identifiers: ClinVar variation 3422345 (VCV003422345.1).

ClinVar aggregate classification (germline): Uncertain significance (1 of 4 stars; one submission).

Submission:

Ambry Genetics
Classification: Uncertain significance. Last evaluated: 2024-07-27. Review status: criteria provided, single submitter. Criteria: Ambry Variant Classification Scheme 2023. Collection method: clinical testing. Allele origin: germline.
Comment: The p.N997H variant (also known as c.2989A>C), located in coding exon 16 of the POLQ gene, results from an A to C substitution at nucleotide position 2989. The asparagine at codon 997 is replaced by histidine, an amino acid with similar properties. This amino acid position is conserved. In addition, this alteration is predicted to be tolerated by in silico analysis. Based on the available evidence, the clinical significance of this variant remains unclear.